The following is an entry in ClinVar:

ClinVar aggregate classification (germline): Likely benign (1 of 4 stars; one submission).

gnomAD v4.1: 487 of 1,552,224 alleles (0.031%); highest among the groups gnomAD compares: Non-Finnish European, 0.04%; 1 homozygote.

Submission:

CeGaT Center for Human Genetics Tuebingen
Classification: Likely benign. Last evaluated: 2025-09-01. Review status: criteria provided, single submitter. Criteria: CeGaT Center For Human Genetics Tuebingen Variant Classification Criteria Version 2. Collection method: clinical testing. Allele origin: germline. Affected: yes. Observed: 1 variant allele.
Comment: PPFIBP1: BP4, BP7

NM_003622.4(PPFIBP1):c.1434G>A (p.Arg478=)

Gene: PPFIBP1 (PPFIB scaffold protein 1; plus strand). Cytogenetic location: 12p11.22.
Variant type: single nucleotide variant.
Coding change: c.1434G>A on transcript NM_003622.4 (MANE Select); coding-DNA position 1434, G replaced by A.
Protein change: p.Arg478=; no amino-acid change (arginine 478 retained).
Molecular consequence: synonymous variant.
Genome position (GRCh38, 1-based): chr12:27,676,451, G>A. VCF-style: chr12-27676451-G-A. GRCh37 (hg19) VCF-style: chr12-27829384-G-A.
Other names: c.1026G>A, p.Arg342= (NM_001198915.2); c.1392G>A, p.Arg464= (NM_001198916.2); c.1485G>A, p.Arg495= (NM_177444.3).
Identifiers: ClinVar variation 4281077 (VCV004281077.7).
Genomic context (GRCh38, chr12:27,676,451, plus strand): 5'-CCTGAGAGCTGTTTCACTATTCTTATTTGCCTCTCAGGACAGAGCTCCGGCAGAAAGCAG[G>A]CCATTTGGGACCCTTCCTCCCAGGCCCCCAGGGCAGGACACCTCCATGGATGACAACCCC-3'
Protein context (NP_003613.4, residues 468-488): TSEDRAPAES[Arg478=]PFGTLPPRPP